The following is an entry in ClinVar:

NM_000557.5(GDF5):c.568A>G (p.Ser190Gly)

Gene: GDF5 (growth differentiation factor 5; minus strand). Cytogenetic location: 20q11.22.
Variant type: single nucleotide variant.
Coding change: c.568A>G on transcript NM_000557.5 (MANE Select); coding-DNA position 568, A replaced by G.
Protein change: p.Ser190Gly; replaces serine 190 with glycine.
Molecular consequence: missense variant.
Genome position (GRCh38, 1-based): chr20:35,437,361, T>C on the plus strand (A>G on the coding strand, the complement: GDF5 is on the minus strand). VCF-style: chr20-35437361-T-C. GRCh37 (hg19) VCF-style: chr20-34025141-T-C.
Other names: c.568A>G, p.Ser190Gly (NM_001319138.2); short protein forms S190G.
Identifiers: ClinVar variation 3281138 (VCV003281138.3).

ClinVar aggregate classification (germline): Uncertain significance. Review status: criteria provided, multiple submitters, no conflicts (2 of 4 stars). 2 submissions from 2 submitters: Uncertain significance (2). Last evaluated 2024-05-18.

Conditions:
Inborn genetic diseases. Identifiers: MedGen C0950123, MeSH D030342.

gnomAD v4.1: 20 of 1,613,132 alleles (0.0012%); highest among the groups gnomAD compares: East Asian, 0.042%; no homozygotes.

Submissions (2):

Labcorp Genetics (formerly Invitae), Labcorp
Classification: Uncertain significance. Last evaluated: 2024-05-18. Review status: criteria provided, single submitter. Criteria: Invitae Variant Classification Sherloc (09022015). Collection method: clinical testing. Allele origin: germline.
Comment: This sequence change replaces serine, which is neutral and polar, with glycine, which is neutral and non-polar, at codon 190 of the GDF5 protein (p.Ser190Gly). This variant is present in population databases (rs527275679, gnomAD 0.05%). This variant has not been reported in the literature in individuals affected with GDF5-related conditions. Advanced modeling of protein sequence and biophysical properties (such as structural, functional, and spatial information, amino acid conservation, physicochemical variation, residue mobility, and thermodynamic stability) performed at Invitae indicates that this missense variant is not expected to disrupt GDF5 protein function with a negative predictive value of 80%. In summary, the available evidence is currently insufficient to determine the role of this variant in disease. Therefore, it has been classified as a Variant of Uncertain Significance.

Ambry Genetics
Classification: Uncertain significance for Inborn genetic diseases. Last evaluated: 2024-04-09. Review status: criteria provided, single submitter. Criteria: Ambry Variant Classification Scheme 2023. Collection method: clinical testing. Allele origin: germline.